The following is an entry in ClinVar:

ClinVar aggregate classification (germline): Pathogenic (1 of 4 stars; one submission).

Conditions:
Bardet-Biedl syndrome (BBS). Identifiers: Orphanet 110, MedGen C0752166, MONDO:0015229.

Submission:

Labcorp Genetics (formerly Invitae), Labcorp
Classification: Pathogenic for Bardet-Biedl syndrome. Last evaluated: 2022-12-17. Review status: criteria provided, single submitter. Criteria: Invitae Variant Classification Sherloc (09022015). Collection method: clinical testing. Allele origin: germline.
Comment: For these reasons, this variant has been classified as Pathogenic. This variant has not been reported in the literature in individuals affected with BBS2-related conditions. This variant is not present in population databases (gnomAD no frequency). This sequence change creates a premature translational stop signal (p.Lys449Argfs*24) in the BBS2 gene. It is expected to result in an absent or disrupted protein product. Loss-of-function variants in BBS2 are known to be pathogenic (PMID: 11285252, 20177705, 24608809, 26518167).

Literature cited by the submitters: PubMed 11285252; PubMed 20177705; PubMed 24608809; PubMed 26518167.

NM_031885.5(BBS2):c.1346_1347del (p.Lys449fs)

Gene: BBS2 (Bardet-Biedl syndrome 2; minus strand). Cytogenetic location: 16q13.
Variant type: Deletion.
Coding change: c.1346_1347del on transcript NM_031885.5 (MANE Select); coding-DNA positions 1346 to 1347, 2 bases deleted (AA; older notation c.1346_1347delAA).
Protein change: p.Lys449fs; shifts the reading frame from lysine 449.
Molecular consequence: frameshift variant. On other transcripts: non-coding transcript variant (2).
Genome position (GRCh38, 1-based): chr16:56,500,904-56,500,905, TT deleted on the plus strand (AA on the coding strand, the reverse complement: BBS2 is on the minus strand); deleting any 2 consecutive bases within chr16:56,500,904-56,500,906 gives the same sequence; the c. name uses the placement nearest the transcript's 3' end. VCF-style (leftmost placement, unchanged base first): chr16-56500903-CTT-C. GRCh37 (hg19) VCF-style: chr16-56534815-CTT-C.
Other names: c.1346_1347del, p.Lys449fs (NM_001377456.1); short protein forms K449fs.
Identifiers: ClinVar variation 2821642 (VCV002821642.3), dbSNP rs1324759342, ClinGen allele CA2739266802.
Genomic context (GRCh38, chr16:56,500,903, plus strand): 5'-CAAAGGGTCACCTGCTTCTGTAACCCACGAATGCCTTCAAGTGCAGATCCACAGGGACAT[CTT>C]TGGGAGGCACAATAGGGATGCAGATGGAACTGGAGAGGTTGTGAATGCTGGGATGTACCA-3'